The following is an entry in ClinVar:

NM_001271.4(CHD2):c.2698C>T (p.Arg900Ter)

Gene: CHD2 (chromodomain helicase DNA binding protein 2; plus strand). Cytogenetic location: 15q26.1.
Variant type: single nucleotide variant.
Coding change: c.2698C>T on transcript NM_001271.4 (MANE Select); coding-DNA position 2698, C replaced by T.
Protein change: p.Arg900Ter; replaces arginine 900 with a stop codon.
Molecular consequence: nonsense.
Genome position (GRCh38, 1-based): chr15:92,978,354, C>T. VCF-style: chr15-92978354-C-T. GRCh37 (hg19) VCF-style: chr15-93521584-C-T.
Other names: c.2698C>T (NM_001271.3); short protein forms R900*.
Identifiers: ClinVar variation 1451330 (VCV001451330.7), dbSNP rs1567149943, ClinGen allele CA393893917.

ClinVar aggregate classification (germline): Pathogenic. Review status: criteria provided, multiple submitters, no conflicts (2 of 4 stars). 2 submissions from 2 submitters: Pathogenic (2). Last evaluated 2025-05-14.

Conditions:
Developmental and epileptic encephalopathy 94 (DEE94). Also called: CHD2-Related Neurodevelopmental Disorders; Epileptic encephalopathy, childhood-onset. Identifiers: Orphanet 1942, Orphanet 2382, MedGen C3809278, MONDO:0014150, OMIM 615369.

Submissions (2):

Labcorp Genetics (formerly Invitae), Labcorp
Classification: Pathogenic for Developmental and epileptic encephalopathy 94. Last evaluated: 2025-05-14. Review status: criteria provided, single submitter. Criteria: Invitae Variant Classification Sherloc (09022015). Collection method: clinical testing. Allele origin: germline.
Comment: This sequence change creates a premature translational stop signal (p.Arg900*) in the CHD2 gene. It is expected to result in an absent or disrupted protein product. Loss-of-function variants in CHD2 are known to be pathogenic (PMID: 23708187, 24207121). This variant is not present in population databases (gnomAD no frequency). This variant has not been reported in the literature in individuals affected with CHD2-related conditions. ClinVar contains an entry for this variant (Variation ID: 1451330). For these reasons, this variant has been classified as Pathogenic.

GeneDx
Classification: Pathogenic. Last evaluated: 2024-02-22. Review status: criteria provided, single submitter. Criteria: GeneDx Variant Classification Process June 2021. Collection method: clinical testing. Allele origin: germline. Affected: yes.
Comment: Nonsense variant predicted to result in protein truncation or nonsense mediated decay in a gene for which loss of function is a known mechanism of disease; Not observed at significant frequency in large population cohorts (gnomAD); This variant is associated with the following publications: (PMID: 37867425)

Literature cited by the submitters: PubMed 23708187 (cited by Labcorp Genetics (formerly Invitae), Labcorp); PubMed 24207121 (cited by Labcorp Genetics (formerly Invitae), Labcorp).